The following is an entry in ClinVar:

ClinVar aggregate classification (germline): Uncertain significance. Review status: criteria provided, multiple submitters, no conflicts (2 of 4 stars). 3 submissions from 3 submitters: Uncertain significance (3). Last evaluated 2025-12-23.

Conditions:
PLEC-related disorder. Also called: PLEC-related condition; PLEC-related disorders.
Epidermolysis bullosa simplex 5C, with pyloric atresia (EBS5C). Also called: PLEC-Related Epidermolysis Bullosa with Pyloric Atresia; Epidermolysis bullosa simplex with pyloric atresia; PLEC1-Related Epidermolysis Bullosa with Pyloric Atresia. Identifiers: Orphanet 158684, MedGen C2677349, MONDO:0012807, OMIM 612138.
Epidermolysis bullosa simplex 5B, with muscular dystrophy (EBS5B). Also called: Epidermolysis bullosa simplex with muscular dystrophy; EPIDERMOLYSIS BULLOSA SIMPLEX AND LIMB-GIRDLE MUSCULAR DYSTROPHY. Identifiers: Orphanet 257, MedGen C2931072, MONDO:0009181, OMIM 226670.
Epidermolysis bullosa simplex, Ogna type (EBS5A). Also called: Pidermolysis bullosa simplex 5A, Ogna type; EPIDERMOLYSIS BULLOSA SIMPLEX 5A, OGNA TYPE. Identifiers: Orphanet 79401, MedGen C0432317, MONDO:0007555, OMIM 131950.
Epidermolysis bullosa simplex with nail dystrophy (EBS5D). Identifiers: MedGen C4225309, MONDO:0014661, OMIM 616487.
Autosomal recessive limb-girdle muscular dystrophy type 2Q (LGMDR17). Also called: MUSCULAR DYSTROPHY, LIMB-GIRDLE, AUTOSOMAL RECESSIVE 17. Identifiers: Orphanet 254361, MedGen C3150989, MONDO:0013390, OMIM 613723.
Inborn genetic diseases. Identifiers: MedGen C0950123, MeSH D030342.

Allele frequency attached by ClinVar (database versions not stated): gnomAD 0.00001; gnomAD exomes 0.00002 and 0.00003; TOPMed 0.00002; ESP Exome Variant Server 0.00008.
gnomAD v4.1: 41 of 1,610,380 alleles (0.0025%); highest among the groups gnomAD compares: Admixed American, 0.0067%; no homozygotes.

Submissions (3):

PreventionGenetics, part of Exact Sciences
Classification: Uncertain significance for PLEC-related condition. Last evaluated: 2025-12-23. Review status: criteria provided, single submitter. Criteria: ACMG Guidelines, 2015. Collection method: clinical testing. Allele origin: germline.
Comment: The PLEC c.2695C>G variant is predicted to result in the amino acid substitution p.Leu899Val. To our knowledge, this variant has not been reported in the literature. This variant is reported in 0.0087% of alleles in individuals of Latino descent in gnomAD. At this time, the clinical significance of this variant is uncertain due to the absence of conclusive functional and genetic evidence.

Ambry Genetics
Classification: Uncertain significance for Inborn genetic diseases. Last evaluated: 2025-08-08. Review status: criteria provided, single submitter. Criteria: Ambry Variant Classification Scheme 2023. Collection method: clinical testing. Allele origin: germline.

Labcorp Genetics (formerly Invitae), Labcorp
Classification: Uncertain significance for Autosomal recessive limb-girdle muscular dystrophy type 2Q; Epidermolysis bullosa simplex, Ogna type; Epidermolysis bullosa simplex with nail dystrophy; Epidermolysis bullosa simplex 5C, with pyloric atresia; Epidermolysis bullosa simplex 5B, with muscular dystrophy. Last evaluated: 2023-05-27. Review status: criteria provided, single submitter. Criteria: Invitae Variant Classification Sherloc (09022015). Collection method: clinical testing. Allele origin: germline.
Comment: In summary, the available evidence is currently insufficient to determine the role of this variant in disease. Therefore, it has been classified as a Variant of Uncertain Significance. Experimental studies and prediction algorithms are not available or were not evaluated, and the functional significance of this variant is currently unknown. ClinVar contains an entry for this variant (Variation ID: 1464784). This variant has not been reported in the literature in individuals affected with PLEC-related conditions. This variant is present in population databases (rs375552577, gnomAD 0.009%). This sequence change replaces leucine, which is neutral and non-polar, with valine, which is neutral and non-polar, at codon 899 of the PLEC protein (p.Leu899Val).

NM_201384.3(PLEC):c.2614C>G (p.Leu872Val)

Gene: PLEC (plectin; minus strand). Cytogenetic location: 8q24.3.
Variant type: single nucleotide variant.
Coding change: c.2614C>G on transcript NM_201384.3 (MANE Select); coding-DNA position 2614, C replaced by G.
Protein change: p.Leu872Val; replaces leucine 872 with valine.
Molecular consequence: missense variant.
Genome position (GRCh38, 1-based): chr8:143,930,061, G>C on the plus strand (C>G on the coding strand, the complement: PLEC is on the minus strand). VCF-style: chr8-143930061-G-C. GRCh37 (hg19) VCF-style: chr8-145004229-G-C.
Other names: c.2695C>G (NM_000445.3, NM_000445.4); c.2695C>G, p.Leu899Val (NM_000445.5); c.2572C>G, p.Leu858Val (NM_201378.4); c.2548C>G, p.Leu850Val (NM_201379.3); c.3025C>G, p.Leu1009Val (NM_201380.4); c.2518C>G, p.Leu840Val (NM_201381.3); c.2614C>G, p.Leu872Val (NM_201382.4); c.2626C>G, p.Leu876Val (NM_201383.3); short protein forms L850V, L858V, L1009V, L876V, L899V, L840V, L872V.
Identifiers: ClinVar variation 1464784 (VCV001464784.8), dbSNP rs375552577, ClinGen allele CA187619265.